The following is an entry in ClinVar:

NM_001844.5(COL2A1):c.1052G>T (p.Gly351Val)

Gene: COL2A1 (collagen type II alpha 1 chain; minus strand). Cytogenetic location: 12q13.11.
Variant type: single nucleotide variant.
Coding change: c.1052G>T on transcript NM_001844.5 (MANE Select); coding-DNA position 1052, G replaced by T.
Protein change: p.Gly351Val; replaces glycine 351 with valine.
Molecular consequence: missense variant.
Genome position (GRCh38, 1-based): chr12:47,989,777, C>A on the plus strand (G>T on the coding strand, the complement: COL2A1 is on the minus strand). VCF-style: chr12-47989777-C-A. GRCh37 (hg19) VCF-style: chr12-48383560-C-A.
Other names: c.845G>T, p.Gly282Val (NM_033150.3); short protein forms G282V, G351V.
Identifiers: ClinVar variation 993615 (VCV000993615.14), dbSNP rs1939615464, ClinGen allele CA384555437.
Genomic context (GRCh38, chr12:47,989,777, plus strand): 5'-TAAAGCACAGCAACAATGACCTGCTGAGGATGAAATGAACTTACCGGAGGCCCTGCGGGG[C>A]CTGGCTGACCATCGTTGCCTCGGGCACCCTGTGAGCAAGAAGGAAGTGACCATGAGAGGT-3'
Protein context (NP_001835.3, residues 341-361): AGARGNDGQP[Gly351Val]PAGPPGPVGP

ClinVar aggregate classification (germline): Conflicting classifications of pathogenicity. Review status: criteria provided, conflicting classifications (1 of 4 stars). 3 submissions from 3 submitters: Pathogenic (1); Likely pathogenic (1); Uncertain significance (1). Last evaluated 2023-09-27.

Conditions:
Spondyloepiphyseal dysplasia congenita (SEDC). Also called: SED CONGENITA; SPONDYLOEPIPHYSEAL DYSPLASIA, CONGENITAL TYPE. Identifiers: Orphanet 94068, MedGen C2745959, MONDO:0008471, OMIM 183900.

Submissions (3):

Labcorp Genetics (formerly Invitae), Labcorp
Classification: Pathogenic. Last evaluated: 2023-09-27. Review status: criteria provided, single submitter. Criteria: Invitae Variant Classification Sherloc (09022015). Collection method: clinical testing. Allele origin: germline.
Comment: This sequence change replaces glycine, which is neutral and non-polar, with valine, which is neutral and non-polar, at codon 351 of the COL2A1 protein (p.Gly351Val). This variant is not present in population databases (gnomAD no frequency). This missense change has been observed in individuals with clinical features of spondyloepiphyseal dysplasia congenita (PMID: 25604898; Invitae). ClinVar contains an entry for this variant (Variation ID: 993615). Advanced modeling of protein sequence and biophysical properties (such as structural, functional, and spatial information, amino acid conservation, physicochemical variation, residue mobility, and thermodynamic stability) performed at Invitae indicates that this missense variant is expected to disrupt COL2A1 protein function. This variant disrupts the triple helix domain of COL2A1. Glycine residues within the Gly-Xaa-Yaa repeats of the triple helix domain are required for the structure and stability of fibrillar collagens (PMID: 7695699, 8218237, 19344236). In COL2A1, variants affecting these glycine residues are significantly enriched in individuals with disease (PMID: 9016532, 17078022) compared to the general population (ExAC). For these reasons, this variant has been classified as Pathogenic.

ARUP Laboratories, Molecular Genetics and Genomics, ARUP Laboratories
Classification: Uncertain significance. Last evaluated: 2019-08-26. Review status: criteria provided, single submitter. Criteria: ARUP Molecular Germline Variant Investigation Process. Collection method: clinical testing. Allele origin: germline.
Comment: The COL2A1 c.1052G>T; p.(Gly351Val) variant was reported in a single patient with congenital spondylo-epiphyseal dysplasia without evidence of segregation with disease (Terhal 2012). This variant is absent from general population databases (Exome Variant Server, Genome Aggregation Database), indicating it is not a common polymorphism. The glycine at position 351 is highly conserved in the triple helix repeat and computational analyses of the effects of the p.(Gly351Val) variant on protein structure and function is deleterious (SIFT: damaging, PolyPhen-2: probably damaging). Without functional studies however, there is not enough evidence to classify the p.(Gly351Val) variant with certainty.

Kasturba Medical College, Manipal, Kasturba Medical College, Manipal, Manipal Academy of Higher Education, Manipal, India
Classification: Likely pathogenic for Spondyloepiphyseal dysplasia congenita. Review status: criteria provided, single submitter. Criteria: ACMG Guidelines, 2015. Collection method: clinical testing. Allele origin: de novo. Inheritance: Autosomal dominant inheritance. Affected: yes. Observed: 1 heterozygote.

Literature cited by the submitters: PubMed 25604898 (cited by Labcorp Genetics (formerly Invitae), Labcorp); PubMed 7695699 (cited by Labcorp Genetics (formerly Invitae), Labcorp); PubMed 8218237 (cited by Labcorp Genetics (formerly Invitae), Labcorp); PubMed 19344236 (cited by Labcorp Genetics (formerly Invitae), Labcorp); PubMed 9016532 (cited by Labcorp Genetics (formerly Invitae), Labcorp); PubMed 17078022 (cited by Labcorp Genetics (formerly Invitae), Labcorp); DOI 10.1002/ajmg.a.3692 (cited by Kasturba Medical College, Manipal, Kasturba Medical College, Manipal, Manipal Academy of Higher Education, Manipal, India).